The following is an entry in ClinVar:

NM_004483.5(GCSH):c.514G>A (p.Glu172Lys)

Gene: GCSH (glycine cleavage system protein H; minus strand). Cytogenetic location: 16q23.2.
Variant type: single nucleotide variant.
Coding change: c.514G>A on transcript NM_004483.5 (MANE Select); coding-DNA position 514, G replaced by A.
Protein change: p.Glu172Lys; replaces glutamic acid 172 with lysine.
Molecular consequence: missense variant. On other transcripts: non-coding transcript variant (1).
Genome position (GRCh38, 1-based): chr16:81,082,874, C>T on the plus strand (G>A on the coding strand, the complement: GCSH is on the minus strand). VCF-style: chr16-81082874-C-T. GRCh37 (hg19) VCF-style: chr16-81116479-C-T.
Other names: short protein forms E172K.
Identifiers: ClinVar variation 1403947 (VCV001403947.8), dbSNP rs760566469, ClinGen allele CA8186684.

ClinVar aggregate classification (germline): Uncertain significance (1 of 4 stars; one submission).

Conditions:
Glycine encephalopathy. Also called: Nonketotic hyperglycinemia; Non-ketotic hyperglycinemia. Identifiers: Orphanet 407, MedGen C0751748, MONDO:0011612, HP:0008288.

Allele frequency attached by ClinVar (database versions not stated): gnomAD exomes 0.00001 and 0.00002; ExAC 0.00002.
gnomAD v4.1: 10 of 1,263,422 alleles (0.00079%); highest among the groups gnomAD compares: Admixed American, 0.01%; no homozygotes.

Submission:

Labcorp Genetics (formerly Invitae), Labcorp
Classification: Uncertain significance for Glycine encephalopathy. Last evaluated: 2020-10-26. Review status: criteria provided, single submitter. Criteria: Invitae Variant Classification Sherloc (09022015). Collection method: clinical testing. Allele origin: germline.
Comment: In summary, the available evidence is currently insufficient to determine the role of this variant in disease. Therefore, it has been classified as a Variant of Uncertain Significance. Algorithms developed to predict the effect of missense changes on protein structure and function (SIFT, PolyPhen-2, Align-GVGD) all suggest that this variant is likely to be tolerated, but these predictions have not been confirmed by published functional studies and their clinical significance is uncertain. This variant has not been reported in the literature in individuals with GCSH-related conditions. The frequency data for this variant in the population databases is considered unreliable, as metrics indicate poor data quality at this position in the ExAC database. This sequence change replaces glutamic acid with lysine at codon 172 of the GCSH protein (p.Glu172Lys). The glutamic acid residue is moderately conserved and there is a small physicochemical difference between glutamic acid and lysine.